The following is an entry in ClinVar:

ClinVar aggregate classification (germline): Likely pathogenic (1 of 4 stars; one submission).

Conditions:
Hereditary cancer-predisposing syndrome. Also called: Neoplastic Syndromes, Hereditary; Hereditary neoplastic syndrome; Tumor predisposition; Hereditary Cancer Syndrome. Identifiers: Orphanet 140162, MedGen C0027672, MeSH D009386, MONDO:0015356.

Submission:

Ambry Genetics
Classification: Likely pathogenic for Hereditary cancer-predisposing syndrome. Last evaluated: 2024-03-18. Review status: criteria provided, single submitter. Criteria: Ambry Variant Classification Scheme 2023. Collection method: clinical testing. Allele origin: germline.
Comment: The p.M1? variant (also known as c.2delT) is located in coding exon 1 of the RAD51D gene and results from a deletion of one thymine at nucleotide position 2. This alters the methionine residue at the initiation codon (ATG). A second in-frame methionine exists in RAD51D at amino acid position 16; however, this is predicted to be a relatively weak translation initiation site, and based on internal structural analysis, the first 15 amino acids are predicted to play an important role in protein function (Kim YM et al. Int J Biochem Cell Biol, 2011 Mar;43:416-22). This variant is considered to be rare based on population cohorts in the Genome Aggregation Database (gnomAD). This amino acid position is highly conserved in available vertebrate species. In addition to the clinical data presented in the literature, sequence variations that modify the initiation codon are expected to result in either loss of translation initiation, N-terminal truncation, or cause a shift in the mRNA reading frame. Based on the majority of available evidence to date, this variant is likely to be pathogenic.

Literature cited by the submitters: PubMed 21111057.

NM_002878.4(RAD51D):c.2del (p.Met1fs)

Genes: RAD51D (RAD51 paralog D; minus strand), RAD51L3-RFFL (RAD51L3-RFFL readthrough; minus strand). Cytogenetic location: 17q12.
Variant type: Deletion.
Coding change: c.2del on transcript NM_002878.4 (MANE Select); coding-DNA position 2, one base deleted (T; older notation c.2delT).
Protein change: p.Met1fs; shifts the reading frame from methionine 1.
Molecular consequence: frameshift variant, initiator codon variant. On other transcripts: non-coding transcript variant (2).
Genome position (GRCh38, 1-based): chr17:35,119,612, A deleted on the plus strand (T on the coding strand, the reverse complement: RAD51D is on the minus strand). VCF-style (leftmost placement, unchanged base first): chr17-35119611-CA-C. GRCh37 (hg19) VCF-style: chr17-33446630-CA-C.
Other names: c.2del, p.Met1fs (NM_001142571.2, NM_133629.3); short protein forms M1fs.
Identifiers: ClinVar variation 2496863 (VCV002496863.3), dbSNP rs2509189531, ClinGen allele CA2580093647.